The following is an entry in ClinVar:

ClinVar aggregate classification (germline): Uncertain significance. Review status: criteria provided, multiple submitters, no conflicts (2 of 4 stars). 2 submissions from 2 submitters: Uncertain significance (2). Last evaluated 2025-03-26.

Conditions:
Hereditary cancer-predisposing syndrome. Also called: Neoplastic Syndromes, Hereditary; Tumor predisposition; Hereditary neoplastic syndrome; Hereditary Cancer Syndrome. Identifiers: Orphanet 140162, MedGen C0027672, MeSH D009386, MONDO:0015356.
Bloom syndrome (BLM). Also called: Bloom-Torre-Machacek syndrome. Identifiers: Orphanet 125, MedGen C0005859, MONDO:0008876, OMIM 210900.

Allele frequency attached by ClinVar (database versions not stated): gnomAD exomes below 0.00001.
gnomAD v4.1: 2 of 1,613,684 alleles (0.00012%); highest among the groups gnomAD compares: Middle Eastern, 0.016%; no homozygotes.

Submissions (2):

Labcorp Genetics (formerly Invitae), Labcorp
Classification: Uncertain significance for Bloom syndrome. Last evaluated: 2025-03-26. Review status: criteria provided, single submitter. Criteria: Invitae Variant Classification Sherloc (09022015). Collection method: clinical testing. Allele origin: germline.
Comment: This sequence change replaces isoleucine, which is neutral and non-polar, with methionine, which is neutral and non-polar, at codon 892 of the BLM protein (p.Ile892Met). This variant is present in population databases (no rsID available, gnomAD 0.006%). This variant has not been reported in the literature in individuals affected with BLM-related conditions. ClinVar contains an entry for this variant (Variation ID: 2142789). Invitae Evidence Modeling of protein sequence and biophysical properties (such as structural, functional, and spatial information, amino acid conservation, physicochemical variation, residue mobility, and thermodynamic stability) indicates that this missense variant is expected to disrupt BLM protein function with a positive predictive value of 80%. In summary, the available evidence is currently insufficient to determine the role of this variant in disease. Therefore, it has been classified as a Variant of Uncertain Significance.

Ambry Genetics
Classification: Uncertain significance for Hereditary cancer-predisposing syndrome. Last evaluated: 2023-02-27. Review status: criteria provided, single submitter. Criteria: Ambry Variant Classification Scheme 2023. Collection method: clinical testing. Allele origin: germline.
Comment: The p.I892M variant (also known as c.2676A>G), located in coding exon 13 of the BLM gene, results from an A to G substitution at nucleotide position 2676. The isoleucine at codon 892 is replaced by methionine, an amino acid with highly similar properties. This amino acid position is conserved. In addition, the in silico prediction for this alteration is inconclusive. Since supporting evidence is limited at this time, the clinical significance of this alteration remains unclear.

NM_000057.4(BLM):c.2676A>G (p.Ile892Met)

Gene: BLM (BLM RecQ like helicase; plus strand). Cytogenetic location: 15q26.1.
Variant type: single nucleotide variant.
Coding change: c.2676A>G on transcript NM_000057.4 (MANE Select); coding-DNA position 2676, A replaced by G.
Protein change: p.Ile892Met; replaces isoleucine 892 with methionine.
Molecular consequence: missense variant.
Genome position (GRCh38, 1-based): chr15:90,784,934, A>G. VCF-style: chr15-90784934-A-G. GRCh37 (hg19) VCF-style: chr15-91328164-A-G.
Other names: c.2676A>G, p.Ile892Met (NM_001287246.2, NM_001287247.2); c.1551A>G, p.Ile517Met (NM_001287248.2); short protein forms I517M, I892M.
Identifiers: ClinVar variation 2142789 (VCV002142789.4), dbSNP rs1284962627, ClinGen allele CA393845871.